The following is an entry in ClinVar:

ClinVar aggregate classification (germline): Likely benign (0 of 4 stars; one submission).

Conditions:
FAT1-related disorder. Also called: FAT1-related condition.

Allele frequency attached by ClinVar (database versions not stated): ExAC 0.00001; gnomAD 0.00001; gnomAD exomes 0.00001; TOPMed 0.00002.
gnomAD v4.1: 11 of 1,613,858 alleles (0.00068%); highest among the groups gnomAD compares: East Asian, 0.0022%; no homozygotes.

Submission:

PreventionGenetics, part of Exact Sciences
Classification: Likely benign for FAT1-related condition. Last evaluated: 2022-12-20. Review status: no assertion criteria provided. Collection method: clinical testing. Allele origin: germline.
Comment: This variant is classified as likely benign based on ACMG/AMP sequence variant interpretation guidelines (Richards et al. 2015 PMID: 25741868, with internal and published modifications).

NM_005245.4(FAT1):c.6339C>T (p.Asn2113=)

Gene: FAT1 (FAT atypical cadherin 1; minus strand). Cytogenetic location: 4q35.2.
Variant type: single nucleotide variant.
Coding change: c.6339C>T on transcript NM_005245.4 (MANE Select); coding-DNA position 6339, C replaced by T.
Protein change: p.Asn2113=; no amino-acid change (asparagine 2113 retained).
Molecular consequence: synonymous variant.
Genome position (GRCh38, 1-based): chr4:186,620,247, G>A on the plus strand (C>T on the coding strand, the complement: FAT1 is on the minus strand). VCF-style: chr4-186620247-G-A. GRCh37 (hg19) VCF-style: chr4-187541401-G-A.
Identifiers: ClinVar variation 3029937 (VCV003029937.2), dbSNP rs758941005, ClinGen allele CA3166273.